The following is an entry in ClinVar:

ClinVar aggregate classification (germline): Pathogenic (1 of 4 stars; one submission).

Submission:

Quest Diagnostics Nichols Institute San Juan Capistrano
Classification: Pathogenic. Last evaluated: 2022-01-27. Review status: criteria provided, single submitter. Criteria: ACMG/ClinGen CNV Guidelines, 2019. Collection method: clinical testing. Allele origin: unknown.
Comment: This imbalance is expected to cause phenotypic and/or developmental abnormalities. Three exons (exons 3-5) of the large isoform of DMD are duplicated. The DMD gene encodes dystrophin, a large muscle protein that is mutant in Duchenne and Becker muscular dystrophies (DMD; OMIM 310200 and BMD; OMIM 300376), defined as progressive deterioration of muscle tissue and resultant weakness. According to a dystrophin variant database, five patients are included withan exon 3-5 duplication, four expressed a clinical phenotype of BMD, and one with DMD. Intellectual disability may occur in DMD patients. A thorough clinical assessment of this patient is recommended. Maternal array studies are indicated to determine whether the genetic imbalance has a familial or de novo origin.

GRCh37/hg19 Xp21.1(chrX:32835255-32920421)x2

Gene: DMD (dystrophin; minus strand). Cytogenetic location: Xp21.1.
Variant type: copy number gain.
Change: copy number 2 of chrX:32,835,255-32,920,421 (85.2 kb, GRCh37 coordinates, 1-based), cytogenetic band Xp21.1.
Identifiers: ClinVar variation 1808714 (VCV001808714.1).